The following is an entry in ClinVar:

NC_000011.9:g.(?_71146411)_(71156008_?)del

Gene: DHCR7 (7-dehydrocholesterol reductase; minus strand). Cytogenetic location: 11q13.4.
Variant type: Deletion.
Identifiers: ClinVar variation 1441328 (VCV001441328.4).

ClinVar aggregate classification (germline): Pathogenic (1 of 4 stars; one submission).

Conditions:
Smith-Lemli-Opitz syndrome (SLOS). Also called: LETHAL ACRODYSGENITAL SYNDROME; POLYDACTYLY, SEX REVERSAL, RENAL HYPOPLASIA, AND UNILOBAR LUNG; RSH SYNDROME; RUTLEDGE LETHAL MULTIPLE CONGENITAL ANOMALY SYNDROME; 7-Dehydrocholesterol reductase deficiency. Identifiers: Orphanet 818, MedGen C0175694, MONDO:0010035, OMIM 270400.

Submission:

Labcorp Genetics (formerly Invitae), Labcorp
Classification: Pathogenic for Smith-Lemli-Opitz syndrome. Last evaluated: 2021-07-03. Review status: criteria provided, single submitter. Criteria: Invitae Variant Classification Sherloc (09022015). Collection method: clinical testing. Allele origin: germline.
Comment: For these reasons, this variant has been classified as Pathogenic. This variant has not been reported in the literature in individuals affected with DHCR7-related conditions. A gross deletion of the genomic region encompassing the full coding sequence of the DHCR7 gene has been identified. Loss-of-function variants in DHCR7 are known to be pathogenic (PMID: 9634533, 10677299). The boundaries of this event are unknown as they extend beyond the assayed region for this gene and therefore may encompass additional genes.

Literature cited by the submitters: PubMed 9634533; PubMed 10677299.